The following is an entry in ClinVar:

NM_020778.5(ALPK3):c.980T>C (p.Leu327Pro)

Gene: ALPK3 (alpha kinase 3; plus strand). Cytogenetic location: 15q25.3.
Variant type: single nucleotide variant.
Coding change: c.980T>C on transcript NM_020778.5 (MANE Select); coding-DNA position 980, T replaced by C.
Protein change: p.Leu327Pro; replaces leucine 327 with proline.
Molecular consequence: missense variant.
Genome position (GRCh38, 1-based): chr15:84,840,259, T>C. VCF-style: chr15-84840259-T-C. GRCh37 (hg19) VCF-style: chr15-85383490-T-C.
Other names: short protein forms L327P.
Identifiers: ClinVar variation 2107668 (VCV002107668.4), dbSNP rs751883280, ClinGen allele CA393373975.

ClinVar aggregate classification (germline): Uncertain significance (1 of 4 stars; one submission).

Submission:

Labcorp Genetics (formerly Invitae), Labcorp
Classification: Uncertain significance. Last evaluated: 2022-03-15. Review status: criteria provided, single submitter. Criteria: Invitae Variant Classification Sherloc (09022015). Collection method: clinical testing. Allele origin: germline.
Comment: In summary, the available evidence is currently insufficient to determine the role of this variant in disease. Therefore, it has been classified as a Variant of Uncertain Significance. Algorithms developed to predict the effect of missense changes on protein structure and function output the following: SIFT: "Tolerated"; PolyPhen-2: "Benign"; Align-GVGD: "Class C0". The proline amino acid residue is found in multiple mammalian species, which suggests that this missense change does not adversely affect protein function. This variant has not been reported in the literature in individuals affected with ALPK3-related conditions. This variant is not present in population databases (gnomAD no frequency). This sequence change replaces leucine, which is neutral and non-polar, with proline, which is neutral and non-polar, at codon 529 of the ALPK3 protein (p.Leu529Pro).